The following is an entry in ClinVar:

ClinVar aggregate classification (germline): Benign. Review status: criteria provided, multiple submitters, no conflicts (2 of 4 stars). 2 submissions from 2 submitters: Benign (2). Last evaluated 2018-08-17.

Conditions:
Autosomal recessive early-onset Parkinson disease 7. Identifiers: Orphanet 2828, MedGen C1853445, MONDO:0011658, OMIM 606324.

Allele frequency attached by ClinVar (database versions not stated): gnomAD 0.04662 and 0.05022; TOPMed 0.05344; 1000 Genomes Project 30x 0.05497; 1000 Genomes Project 0.05391; gnomAD exomes 0.00658.
gnomAD v4.1: 7,032 of 152,698 alleles (4.6%); highest among the groups gnomAD compares: African/African-American, 16%; 562 homozygotes.

Submissions (2):

GeneDx
Classification: Benign. Last evaluated: 2018-08-17. Review status: criteria provided, single submitter. Criteria: GeneDx Variant Classification Process June 2021. Collection method: clinical testing. Allele origin: germline. Affected: yes.

Illumina Laboratory Services, Illumina
Classification: Benign for Autosomal recessive early-onset Parkinson disease 7. Last evaluated: 2018-01-12. Review status: criteria provided, single submitter. Criteria: ICSL Variant Classification Criteria 13 December 2019. Collection method: clinical testing. Allele origin: germline.
Comment: This variant was observed in the ICSL laboratory as part of a predisposition screen in an ostensibly healthy population. It had not been previously curated by ICSL or reported in the Human Gene Mutation Database (HGMD: prior to June 1st, 2018), and was therefore a candidate for classification through an automated scoring system. Utilizing variant allele frequency, disease prevalence and penetrance estimates, and inheritance mode, an automated score was calculated to assess if this variant is too frequent to cause the disease. Based on the score and internal cut-off values, a variant classified as benign is not then subjected to further curation. The score for this variant resulted in a classification of benign for this disease.

NM_007262.5(PARK7):c.-70C>T

Gene: PARK7 (Parkinsonism associated deglycase; plus strand). Cytogenetic location: 1p36.23.
Variant type: single nucleotide variant.
Coding change: c.-70C>T on transcript NM_007262.5 (MANE Select); 70 bases upstream of the start codon, C replaced by T.
Molecular consequence: 5 prime UTR variant. On other transcripts: intron variant (1).
Genome position (GRCh38, 1-based): chr1:7,961,747, C>T. VCF-style: chr1-7961747-C-T. GRCh37 (hg19) VCF-style: chr1-8021807-C-T.
Other names: c.-24+12C>T (NM_001123377.2).
Identifiers: ClinVar variation 298115 (VCV000298115.7), dbSNP rs11121064, ClinGen allele CA10611661.